The following is an entry in ClinVar:

NM_001122772.3(AGAP2):c.1337T>C (p.Met446Thr)

Genes: AGAP2 (ArfGAP with GTPase domain, ankyrin repeat and PH domain 2; minus strand), LOC126861542 (CDK7 strongly-dependent group 2 enhancer GRCh37_chr12:58127413-58128612; plus strand). Cytogenetic location: 12q14.1.
Variant type: single nucleotide variant.
Coding change: c.1337T>C on transcript NM_001122772.3 (MANE Select); coding-DNA position 1337, T replaced by C.
Protein change: p.Met446Thr; replaces methionine 446 with threonine.
Molecular consequence: missense variant.
Genome position (GRCh38, 1-based): chr12:57,734,383, A>G on the plus strand (T>C on the coding strand, the complement: AGAP2 is on the minus strand). VCF-style: chr12-57734383-A-G. GRCh37 (hg19) VCF-style: chr12-58128166-A-G.
Other names: c.329T>C, p.Met110Thr (NM_014770.4); short protein forms M110T, M446T.
Identifiers: ClinVar variation 3034164 (VCV003034164.2), dbSNP rs41292015, ClinGen allele CA6657139.

ClinVar aggregate classification (germline): Likely benign (0 of 4 stars; one submission).

Conditions:
AGAP2-related disorder. Also called: AGAP2-related condition.

Allele frequency attached by ClinVar (database versions not stated): 1000 Genomes Project 0.00020; 1000 Genomes Project 30x 0.00031; gnomAD 0.00162; ESP Exome Variant Server 0.00185; TOPMed 0.00209; ExAC 0.00226; gnomAD exomes 0.00270.
gnomAD v4.1: 4,153 of 1,614,036 alleles (0.26%); highest among the groups gnomAD compares: Non-Finnish European, 0.32%; 11 homozygotes.

Submission:

PreventionGenetics, part of Exact Sciences
Classification: Likely benign for AGAP2-related condition. Last evaluated: 2019-12-09. Review status: no assertion criteria provided. Collection method: clinical testing. Allele origin: germline.
Comment: This variant is classified as likely benign based on ACMG/AMP sequence variant interpretation guidelines (Richards et al. 2015 PMID: 25741868, with internal and published modifications).